The following is an entry in ClinVar:

ClinVar aggregate classification (germline): Uncertain significance (1 of 4 stars; one submission).

Conditions:
RASopathy. Also called: Noonan spectrum disorder; rasopathies. Identifiers: Orphanet 536391, MedGen C5555857, MONDO:0021060.

Submission:

Labcorp Genetics (formerly Invitae), Labcorp
Classification: Uncertain significance for RASopathy. Last evaluated: 2025-03-19. Review status: criteria provided, single submitter. Criteria: Invitae Variant Classification Sherloc (09022015). Collection method: clinical testing. Allele origin: germline.
Comment: This variant, c.499_501del, results in the deletion of 1 amino acid(s) of the KRAS protein (p.Lys167del), but otherwise preserves the integrity of the reading frame. This variant is not present in population databases (gnomAD no frequency). This variant has not been reported in the literature in individuals affected with KRAS-related conditions. Experimental studies and prediction algorithms are not available or were not evaluated, and the functional significance of this variant is currently unknown. In summary, the available evidence is currently insufficient to determine the role of this variant in disease. Therefore, it has been classified as a Variant of Uncertain Significance.

NM_004985.5(KRAS):c.499_501del (p.Lys167del)

Gene: KRAS (KRAS proto-oncogene, GTPase; minus strand). Cytogenetic location: 12p12.1.
Variant type: Deletion.
Coding change: c.499_501del on transcript NM_004985.5 (MANE Select); coding-DNA positions 499 to 501, 3 bases deleted (AAA; older notation c.499_501delAAA).
Protein change: p.Lys167del; deletes lysine 167.
Molecular consequence: inframe deletion. On other transcripts: 3 prime UTR variant (2).
Genome position (GRCh38, 1-based): chr12:25,209,861-25,209,863, TTT deleted on the plus strand (AAA on the coding strand, the reverse complement: KRAS is on the minus strand). VCF-style (leftmost placement, unchanged base first): chr12-25209860-CTTT-C. GRCh37 (hg19) VCF-style: chr12-25362794-CTTT-C.
Other names: c.*53_*55del (NM_001369786.1, NM_033360.4); c.499_501del, p.Lys167del (NM_001369787.1); short protein forms K167del.
Identifiers: ClinVar variation 4711389 (VCV004711389.1).
Genomic context (GRCh38, chr12:25,209,860, plus strand): 5'-TAATTACACACTTTGTCTTTGACTTCTTTTTCTTCTTTTTACCATCTTTGCTCATCTTTT[CTTT>C]ATGTTTTCGAATTTCTCGAACTAATGTATAGAAGGCATCATCAACACCCTGAAATACATA-3'